The following is an entry in ClinVar:

ClinVar aggregate classification (germline): Pathogenic. Review status: criteria provided, multiple submitters, no conflicts (2 of 4 stars). 4 submissions from 4 submitters: Pathogenic (4). Last evaluated 2025-03-07.

Conditions:
Pheochromocytoma/paraganglioma syndrome 4. Also called: SDHB-Related Hereditary Paraganglioma-Pheochromocytoma Syndrome (Paragangliomas 4); SDHB-Related Hereditary Paraganglioma-Pheochromocytoma Syndrome; CAROTID BODY TUMORS AND MULTIPLE EXTRAADRENAL PHEOCHROMOCYTOMAS; PARAGANGLIOMA, FAMILIAL MALIGNANT; PARAGANGLIOMAS, HEREDITARY EXTRAADRENAL; PHEOCHROMOCYTOMA, FAMILIAL EXTRAADRENAL. Identifiers: Orphanet 29072, MedGen C1861848, MONDO:0007273, OMIM 115310.
Gastrointestinal stromal tumor. Also called: Gastrointestinal stromal tumor, somatic; Gastrointestinal stroma tumor. Identifiers: Orphanet 44890, MedGen C0238198, MeSH D046152, MONDO:0011719, OMIM 606764, HP:0100723.
Pheochromocytoma. Also called: MAX-Related Hereditary Paraganglioma-Pheochromocytoma Syndrome. Identifiers: Orphanet 29072, MedGen C0031511, MONDO:0008233, OMIM 171300, HP:0002666.
Hereditary cancer-predisposing syndrome. Also called: Tumor predisposition; Hereditary Cancer Syndrome; Hereditary neoplastic syndrome; Neoplastic Syndromes, Hereditary. Identifiers: Orphanet 140162, MedGen C0027672, MeSH D009386, MONDO:0015356.

Submissions (4):

Myriad Genetics, Inc.
Classification: Pathogenic for Pheochromocytoma/paraganglioma syndrome 4. Last evaluated: 2025-03-07. Review status: criteria provided, single submitter. Criteria: Myriad Autosomal Dominant, Autosomal Recessive and X-Linked Classification Criteria (2023). Collection method: clinical testing. Allele origin: unknown.
Comment: This variant is considered pathogenic. This variant creates a frameshift predicted to result in premature protein truncation.

Labcorp Genetics (formerly Invitae), Labcorp
Classification: Pathogenic for Gastrointestinal stromal tumor; Pheochromocytoma/paraganglioma syndrome 4; Pheochromocytoma. Last evaluated: 2023-04-06. Review status: criteria provided, single submitter. Criteria: Invitae Variant Classification Sherloc (09022015). Collection method: clinical testing. Allele origin: germline.
Comment: This variant disrupts a region of the SDHB protein in which other variant(s) (p.Ile263Serfs*13) have been determined to be pathogenic (Invitae). This suggests that this is a clinically significant region of the protein, and that variants that disrupt it are likely to be disease-causing. ClinVar contains an entry for this variant (Variation ID: 201607). This premature translational stop signal has been observed in individuals with clinical features of paraganglioma-pheochromocytoma syndromes (PMID: 16314641, 19454582, 30877234). This variant is not present in population databases (gnomAD no frequency). This sequence change creates a premature translational stop signal (p.Leu240Thrfs*7) in the SDHB gene. While this is not anticipated to result in nonsense mediated decay, it is expected to disrupt the last 41 amino acid(s) of the SDHB protein. For these reasons, this variant has been classified as Pathogenic.

Ambry Genetics
Classification: Pathogenic for Hereditary cancer-predisposing syndrome. Last evaluated: 2022-05-26. Review status: criteria provided, single submitter. Criteria: Ambry Variant Classification Scheme 2023. Collection method: clinical testing. Allele origin: germline.
Comment: The c.718_721delCTAT pathogenic mutation, located in coding exon 7 of the SDHB gene, results from a deletion of 4 nucleotides at nucleotide positions 718 to 721, causing a translational frameshift with a predicted alternate stop codon (p.L240Tfs*7). This alteration occurs at the 3' terminus of SDHB gene, is not expected to trigger nonsense-mediated mRNA decay, and only impacts the last 35 amino acids of the protein. However, premature stop codons are typically deleterious in nature and the impacted region is critical for protein function (Ambry internal data). This alteration has been reported in multiple individuals diagnosed with paragangliomas and/or pheochromocytomas (Amar L et al. J. Clin. Oncol. 2005 Dec;23:8812-8; Benn DE et al. J. Clin. Endocrinol. Metab. 2006 Mar;91:827-36; Burnichon N et al. J. Clin. Endocrinol. Metab. 2009 Aug;94:2817-27; Bernardo-Casti&ntilde;eira C et al. Head Neck 2019 Jan;41:79-91). Based on the supporting evidence, this alteration is interpreted as a disease-causing mutation.

GeneDx
Classification: Pathogenic. Last evaluated: 2014-09-16. Review status: criteria provided, single submitter. Criteria: GeneDx Variant Classification (06012015). Collection method: clinical testing. Allele origin: germline. Affected: yes.
Comment: The c.718_721delCTAT mutation in the SDHB gene has been reported previously in association with pheochromocytoma (Amar et al., 2005). The deletion causes a frameshift starting with codon Leucine 240, changes this amino acid to a Threonine residue and creates a premature Stop codon at position 7 of the new reading frame, denoted p.Leu240ThrfsX7. This mutation is predicted to cause loss of normal protein function through protein truncation. Specifically, the last 41 correct residues are lost and replaced by 6 incorrect residues. The variant is found in the SDHB panel(s).

Literature cited by the submitters: PubMed 16314641 (cited by Labcorp Genetics (formerly Invitae), Labcorp and Ambry Genetics); PubMed 19454582 (cited by Labcorp Genetics (formerly Invitae), Labcorp and Ambry Genetics); PubMed 30877234 (cited by Labcorp Genetics (formerly Invitae), Labcorp); PubMed 16317055 (cited by Ambry Genetics); PubMed 30549360 (cited by Ambry Genetics).

NM_003000.3(SDHB):c.718_721del (p.Leu240fs)

Gene: SDHB (succinate dehydrogenase complex iron sulfur subunit B; minus strand). Cytogenetic location: 1p36.13.
Variant type: Deletion.
Coding change: c.718_721del on transcript NM_003000.3 (MANE Select); coding-DNA positions 718 to 721, 4 bases deleted (CTAT; older notation c.718_721delCTAT).
Protein change: p.Leu240fs; shifts the reading frame from leucine 240.
Molecular consequence: frameshift variant.
Genome position (GRCh38, 1-based): chr1:17,022,652-17,022,655, ATAG deleted on the plus strand (CTAT on the coding strand, the reverse complement: SDHB is on the minus strand); deleting any 4 consecutive bases within chr1:17,022,652-17,022,656 gives the same sequence; the c. name uses the placement nearest the transcript's 3' end. VCF-style (leftmost placement, unchanged base first): chr1-17022651-TATAG-T. GRCh37 (hg19) VCF-style: chr1-17349146-TATAG-T.
Other names: c.718_721delCTAT (NM_003000.2); short protein forms L240fs.
Identifiers: ClinVar variation 201607 (VCV000201607.11), dbSNP rs794728950, ClinGen allele CA016135.